The following is an entry in ClinVar:

ClinVar aggregate classification (germline): Likely benign (1 of 4 stars; one submission).

Conditions:
FARS2-related disorder. Also called: FARS2-related disorders; FARS2-related condition.

gnomAD v4.1: 2 of 1,614,158 alleles (0.00012%); highest among the groups gnomAD compares: Non-Finnish European, 0.00017%; no homozygotes.

Submission:

PreventionGenetics, part of Exact Sciences
Classification: Likely benign for FARS2-related condition. Last evaluated: 2025-09-16. Review status: criteria provided, single submitter. Criteria: ACMG Guidelines, 2015. Collection method: clinical testing. Allele origin: germline.
Comment: This variant is classified as likely benign based on ACMG/AMP sequence variant interpretation guidelines (Richards et al. 2015 PMID: 25741868, with internal and published modifications).

NM_006567.5(FARS2):c.276G>A (p.Arg92=)

Genes: FARS2 (phenylalanyl-tRNA synthetase 2, mitochondrial; plus strand), LOC126859565 (CDK7 strongly-dependent group 2 enhancer GRCh37_chr6:5368745-5369944; plus strand). Cytogenetic location: 6p25.1.
Variant type: single nucleotide variant.
Coding change: c.276G>A on transcript NM_006567.5 (MANE Select); coding-DNA position 276, G replaced by A.
Protein change: p.Arg92=; no amino-acid change (arginine 92 retained).
Molecular consequence: synonymous variant. On other transcripts: intron variant (2).
Genome position (GRCh38, 1-based): chr6:5,368,846, G>A. VCF-style: chr6-5368846-G-A. GRCh37 (hg19) VCF-style: chr6-5369079-G-A.
Other names: c.276G>A, p.Arg92= (NM_001318872.2, NM_001374875.1, NM_001374876.1 and 5 more transcripts); c.-340-27787G>A (NM_001375260.1); c.-84-35696G>A (NM_001375259.1).
Identifiers: ClinVar variation 4979529 (VCV004979529.1).